The following is an entry in ClinVar:

ClinVar aggregate classification (germline): Uncertain significance (1 of 4 stars; one submission).

Conditions:
Hereditary spastic paraplegia 73. Also called: Spastic paraplegia 73, autosomal dominant. Identifiers: Orphanet 444099, MedGen C5568981, MONDO:0014568, OMIM 616282.

Allele frequency attached by ClinVar (database versions not stated): gnomAD 0.00001; ESP Exome Variant Server 0.00008.
gnomAD v4.1: 7 of 1,597,048 alleles (0.00044%); highest among the groups gnomAD compares: African/African-American, 0.0054%; no homozygotes.

Submission:

Labcorp Genetics (formerly Invitae), Labcorp
Classification: Uncertain significance for Hereditary spastic paraplegia 73. Last evaluated: 2022-10-17. Review status: criteria provided, single submitter. Criteria: Invitae Variant Classification Sherloc (09022015). Collection method: clinical testing. Allele origin: germline.
Comment: In summary, the available evidence is currently insufficient to determine the role of this variant in disease. Therefore, it has been classified as a Variant of Uncertain Significance. Advanced modeling of protein sequence and biophysical properties (such as structural, functional, and spatial information, amino acid conservation, physicochemical variation, residue mobility, and thermodynamic stability) performed at Invitae indicates that this missense variant is not expected to disrupt CPT1C protein function. This variant has not been reported in the literature in individuals affected with CPT1C-related conditions. The frequency data for this variant in the population databases is considered unreliable, as metrics indicate poor data quality at this position in the gnomAD database. This sequence change replaces asparagine, which is neutral and polar, with serine, which is neutral and polar, at codon 230 of the CPT1C protein (p.Asn230Ser).

NM_001199753.2(CPT1C):c.689A>G (p.Asn230Ser)

Gene: CPT1C (carnitine palmitoyltransferase 1C; plus strand). Cytogenetic location: 19q13.33.
Variant type: single nucleotide variant.
Coding change: c.689A>G on transcript NM_001199753.2 (MANE Select); coding-DNA position 689, A replaced by G.
Protein change: p.Asn230Ser; replaces asparagine 230 with serine.
Molecular consequence: missense variant. On other transcripts: non-coding transcript variant (1).
Genome position (GRCh38, 1-based): chr19:49,701,630, A>G. VCF-style: chr19-49701630-A-G. GRCh37 (hg19) VCF-style: chr19-50204887-A-G.
Other names: c.689A>G, p.Asn230Ser (NM_001136052.3, NM_001199752.3, NM_001378482.1 and 7 more transcripts); short protein forms N230S.
Identifiers: ClinVar variation 1900466 (VCV001900466.5), dbSNP rs375896661, ClinGen allele CA9581889.
Genomic context (GRCh38, chr19:49,701,630, plus strand): 5'-TGAGGCTGCAGGCGTCGCTGCTGCAGTGGTACCTGCGGCTCAAGTCCTGGTGGGCGTCCA[A>G]TTATGTGAGTCCCGCCACCGCCACCAACGCCCCACCTGAAGGGCTAAGGTTGTGAGCTCG-3'
Protein context (NP_001186682.1, residues 220-240): YLRLKSWWAS[Asn230Ser]YVSDWWEEFV